The following is an entry in ClinVar:

ClinVar aggregate classification (germline): Likely benign (1 of 4 stars; one submission).

gnomAD v4.1: 19 of 1,613,634 alleles (0.0012%); highest among the groups gnomAD compares: East Asian, 0.0022%; no homozygotes.

Submission:

CeGaT Center for Human Genetics Tuebingen
Classification: Likely benign. Last evaluated: 2025-02-01. Review status: criteria provided, single submitter. Criteria: CeGaT Center For Human Genetics Tuebingen Variant Classification Criteria Version 2. Collection method: clinical testing. Allele origin: germline. Affected: yes. Observed: 1 variant allele.
Comment: ANO1: BP4, BP7

NM_018043.7(ANO1):c.2490C>T (p.Phe830=)

Gene: ANO1 (anoctamin 1; plus strand). Cytogenetic location: 11q13.3.
Variant type: single nucleotide variant.
Coding change: c.2490C>T on transcript NM_018043.7 (MANE Select); coding-DNA position 2490, C replaced by T.
Protein change: p.Phe830=; no amino-acid change (phenylalanine 830 retained).
Molecular consequence: synonymous variant. On other transcripts: non-coding transcript variant (1).
Genome position (GRCh38, 1-based): chr11:70,182,588, C>T. VCF-style: chr11-70182588-C-T. GRCh37 (hg19) VCF-style: chr11-70028694-C-T.
Other names: c.2478C>T, p.Phe826= (NM_001378095.2, NM_001378093.1, NM_001378094.2); c.2400C>T, p.Phe800= (NM_001378096.2); c.2313C>T, p.Phe771= (NM_001378097.2); c.2679C>T, p.Phe893= (NM_001378092.1).
Identifiers: ClinVar variation 3771116 (VCV003771116.13).